The following is an entry in ClinVar:

ClinVar aggregate classification (germline): Uncertain significance (1 of 4 stars; one submission).

Conditions:
Inborn genetic diseases. Identifiers: MedGen C0950123, MeSH D030342.

Submission:

Ambry Genetics
Classification: Uncertain significance for Inborn genetic diseases. Last evaluated: 2022-09-25. Review status: criteria provided, single submitter. Criteria: Ambry Variant Classification Scheme 2023. Collection method: clinical testing. Allele origin: germline.
Comment: The p.N2133K variant (also known as c.6399T>G), located in coding exon 44 of the LRRK2 gene, results from a T to G substitution at nucleotide position 6399. The asparagine at codon 2133 is replaced by lysine, an amino acid with similar properties. This amino acid position is conserved. In addition, this alteration is predicted to be tolerated by in silico analysis. Since supporting evidence is limited at this time, the clinical significance of this alteration remains unclear.

NM_198578.4(LRRK2):c.6399T>G (p.Asn2133Lys)

Gene: LRRK2 (leucine rich repeat kinase 2; plus strand). Cytogenetic location: 12q12.
Variant type: single nucleotide variant.
Coding change: c.6399T>G on transcript NM_198578.4 (MANE Select); coding-DNA position 6399, T replaced by G.
Protein change: p.Asn2133Lys; replaces asparagine 2133 with lysine.
Molecular consequence: missense variant.
Genome position (GRCh38, 1-based): chr12:40,351,556, T>G. VCF-style: chr12-40351556-T-G. GRCh37 (hg19) VCF-style: chr12-40745358-T-G.
Other names: short protein forms N2133K.
Identifiers: ClinVar variation 1753263 (VCV001753263.2), dbSNP rs2136992939, ClinGen allele CA384406508.